The following is an entry in ClinVar:

NM_020832.3(ZNF687):c.838G>A (p.Val280Ile)

Gene: ZNF687 (zinc finger protein 687; plus strand). Cytogenetic location: 1q21.3.
Variant type: single nucleotide variant.
Coding change: c.838G>A on transcript NM_020832.3 (MANE Select); coding-DNA position 838, G replaced by A.
Protein change: p.Val280Ile; replaces valine 280 with isoleucine.
Molecular consequence: missense variant.
Genome position (GRCh38, 1-based): chr1:151,287,129, G>A. VCF-style: chr1-151287129-G-A. GRCh37 (hg19) VCF-style: chr1-151259605-G-A.
Other names: c.838G>A, p.Val280Ile (NM_001304763.2, NM_001304764.2); short protein forms V280I.
Identifiers: ClinVar variation 2038751 (VCV002038751.4), dbSNP rs149852671, ClinGen allele CA1088229.

ClinVar aggregate classification (germline): Uncertain significance (1 of 4 stars; one submission).

Allele frequency attached by ClinVar (database versions not stated): gnomAD exomes 0.00003; ExAC 0.00007; gnomAD 0.00015; 1000 Genomes Project 30x 0.00016; 1000 Genomes Project 0.00020; TOPMed 0.00020; ESP Exome Variant Server 0.00023.
gnomAD v4.1: 69 of 1,614,144 alleles (0.0043%); highest among the groups gnomAD compares: African/African-American, 0.068%; no homozygotes.

Submission:

Labcorp Genetics (formerly Invitae), Labcorp
Classification: Uncertain significance. Last evaluated: 2025-04-22. Review status: criteria provided, single submitter. Criteria: Invitae Variant Classification Sherloc (09022015). Collection method: clinical testing. Allele origin: germline.
Comment: This sequence change replaces valine, which is neutral and non-polar, with isoleucine, which is neutral and non-polar, at codon 280 of the ZNF687 protein (p.Val280Ile). This variant is present in population databases (rs149852671, gnomAD 0.05%). This variant has not been reported in the literature in individuals affected with ZNF687-related conditions. ClinVar contains an entry for this variant (Variation ID: 2038751). An algorithm developed to predict the effect of missense changes on protein structure and function outputs the following: PolyPhen-2: "Benign". The isoleucine amino acid residue is found in multiple mammalian species, which suggests that this missense change does not adversely affect protein function. In summary, the available evidence is currently insufficient to determine the role of this variant in disease. Therefore, it has been classified as a Variant of Uncertain Significance.